The following is an entry in ClinVar:

NM_080675.4(SUN5):c.1066C>T (p.Arg356Cys)

Gene: SUN5 (Sad1 and UNC84 domain containing 5; minus strand). Cytogenetic location: 20q11.21.
Variant type: single nucleotide variant.
Coding change: c.1066C>T on transcript NM_080675.4 (MANE Select); coding-DNA position 1066, C replaced by T.
Protein change: p.Arg356Cys; replaces arginine 356 with cysteine.
Molecular consequence: missense variant.
Genome position (GRCh38, 1-based): chr20:32,983,868, G>A on the plus strand (C>T on the coding strand, the complement: SUN5 is on the minus strand). VCF-style: chr20-32983868-G-A. GRCh37 (hg19) VCF-style: chr20-31571674-G-A.
Other names: short protein forms R356C.
Identifiers: ClinVar variation 268048 (VCV000268048.45), dbSNP rs754130052, ClinGen allele CA9811602.
Genomic context (GRCh38, chr20:32,983,868, plus strand): 5'-GGTAGGGGTTCTGGTGAGGCTGCTCTCTGGGCGGGGCCACAGAGCCATGCACTCGCACGC[G>A]GTACAGGCAAGTGAAGCCTGGGTTCCCCCAGTTGCTTGAGATCTTCACCTTGACCGCACT-3'
Protein context (NP_542406.2, residues 346-366): WGNPGFTCLY[Arg356Cys]VRVHGSVAPP

ClinVar aggregate classification (germline): Likely pathogenic. Review status: criteria provided, multiple submitters, no conflicts (2 of 4 stars). 4 submissions from 4 submitters: Likely pathogenic (3). 1 of the submissions does not count toward it. Last evaluated 2026-03-09.

Conditions:
Spermatogenic failure 16 (SPGF16). Also called: ACEPHALIC SPERMATOZOA SYNDROME. Identifiers: MedGen C4310674, MONDO:0014961, OMIM 617187.

Allele frequency attached by ClinVar (database versions not stated): gnomAD 0.00001; gnomAD exomes 0.00002 and 0.00003; TOPMed 0.00002; ExAC 0.00005.

Submissions (4):

Dasa
Classification: Likely pathogenic. Last evaluated: 2026-03-09. Review status: criteria provided, single submitter. Criteria: DASA Assertion Criteria. Collection method: clinical testing. Allele origin: germline.
Comment: NM_080675.4(SUN5):c.1066C>T (p.Arg356Cys) is a missense variant that results in the substitution of arginine with cysteine. This variant has been recurrently observed in individuals with SUN5-related disorders (PMID: 27640305; PMID: 29329387). Also, this variant is rare in population databases. Computational evidence supports a deleterious effect. Based on the currently available evidence, this variant is classified as likely pathogenic.

CeGaT Center for Human Genetics Tuebingen
Classification: Likely pathogenic. Last evaluated: 2020-03-01. Review status: criteria provided, single submitter. Criteria: CeGaT Center For Human Genetics Tuebingen Variant Classification Criteria Version 2. Collection method: clinical testing. Allele origin: germline. Affected: yes. Observed: 1 variant allele.

Juno Genomics, Hangzhou Juno Genomics, Inc
Classification: Likely pathogenic for Spermatogenic failure 16. Review status: criteria provided, single submitter. Criteria: ACMG Guidelines, 2015. Collection method: clinical testing. Allele origin: germline. Affected: yes.
Comment: Absent from controls (or at extremely low frequency if recessive) in Genome Aggregation Database, Exome Sequencing Project, 1000 Genomes Project, or Exome Aggregation Consortium.;For recessive disorders, detected in trans with a pathogenic variant.;Patient's phenotype or family history is highly specific for a disease with a single genetic etiology.;Multiple lines of computational evidence support a deleterious effect on the gene or gene product (conservation, evolutionary, splicing impact, etc).

OMIM
Classification: Pathogenic for SPERMATOGENIC FAILURE 16. Last evaluated: 2016-11-07. Review status: no assertion criteria provided. Collection method: literature only. Allele origin: germline. Not counted in ClinVar's aggregate classification.

Literature cited by the submitters: PubMed 27640305 (cited by Dasa and OMIM); PubMed 29329387 (cited by Dasa).